The following is an entry in ClinVar:

NM_001164665.2(KIAA1549):c.3005C>T (p.Thr1002Ile)

Gene: KIAA1549 (KIAA1549; minus strand). Cytogenetic location: 7q34.
Variant type: single nucleotide variant.
Coding change: c.3005C>T on transcript NM_001164665.2 (MANE Select); coding-DNA position 3005, C replaced by T.
Protein change: p.Thr1002Ile; replaces threonine 1002 with isoleucine.
Molecular consequence: missense variant.
Genome position (GRCh38, 1-based): chr7:138,911,286, G>A on the plus strand (C>T on the coding strand, the complement: KIAA1549 is on the minus strand). VCF-style: chr7-138911286-G-A. GRCh37 (hg19) VCF-style: chr7-138596032-G-A.
Other names: c.3005C>T, p.Thr1002Ile (NM_020910.3); short protein forms T1002I.
Identifiers: ClinVar variation 1995764 (VCV001995764.4), dbSNP rs1812164576, ClinGen allele CA369389288.
Genomic context (GRCh38, chr7:138,911,286, plus strand): 5'-AGCTTACTGTTTATAAGCACATTTATGACGGATATTGCCGTGTAAACGAAAGGACCGGAT[G>A]TTACCAGAAAAGTGAAGTCAGTAAATAGTTCGTAAACCTAGGGAAATAAGAAATACAAAG-3'
Protein context (NP_001158137.1, residues 992-1012): ELFTDFTFLV[Thr1002Ile]SGPFVYTAIS

ClinVar aggregate classification (germline): Uncertain significance (1 of 4 stars; one submission).

Submission:

Labcorp Genetics (formerly Invitae), Labcorp
Classification: Uncertain significance. Last evaluated: 2022-05-17. Review status: criteria provided, single submitter. Criteria: Invitae Variant Classification Sherloc (09022015). Collection method: clinical testing. Allele origin: germline.
Comment: This sequence change replaces threonine, which is neutral and polar, with isoleucine, which is neutral and non-polar, at codon 1002 of the KIAA1549 protein (p.Thr1002Ile). This variant is not present in population databases (gnomAD no frequency). This variant has not been reported in the literature in individuals affected with KIAA1549-related conditions. Algorithms developed to predict the effect of missense changes on protein structure and function are either unavailable or do not agree on the potential impact of this missense change (SIFT: "Deleterious"; PolyPhen-2: "Probably Damaging"; Align-GVGD: "Class C0"). In summary, the available evidence is currently insufficient to determine the role of this variant in disease. Therefore, it has been classified as a Variant of Uncertain Significance.